The following is an entry in ClinVar:

ClinVar aggregate classification (germline): Uncertain significance. Review status: criteria provided, multiple submitters, no conflicts (2 of 4 stars). 3 submissions from 3 submitters: Uncertain significance (3). Last evaluated 2025-08-23.

Conditions:
Inborn genetic diseases. Identifiers: MedGen C0950123, MeSH D030342.
Poikiloderma with neutropenia (PN). Identifiers: Orphanet 221046, MedGen C1858723, MONDO:0011405, OMIM 604173.

Allele frequency attached by ClinVar (database versions not stated): gnomAD 0.00001; ExAC 0.00002; gnomAD exomes 0.00002 and 0.00004; TOPMed 0.00004.
gnomAD v4.1: 11 of 1,613,726 alleles (0.00068%); highest among the groups gnomAD compares: Admixed American, 0.018%; no homozygotes.

Submissions (3):

Ambry Genetics
Classification: Uncertain significance for Inborn genetic diseases. Last evaluated: 2025-08-23. Review status: criteria provided, single submitter. Criteria: Ambry Variant Classification Scheme 2023. Collection method: clinical testing. Allele origin: germline.

Fulgent Genetics
Classification: Uncertain significance for Poikiloderma with neutropenia. Last evaluated: 2024-04-17. Review status: criteria provided, single submitter. Criteria: ACMG Guidelines, 2015. Collection method: clinical testing. Allele origin: germline.

Labcorp Genetics (formerly Invitae), Labcorp
Classification: Uncertain significance. Last evaluated: 2021-12-20. Review status: criteria provided, single submitter. Criteria: Invitae Variant Classification Sherloc (09022015). Collection method: clinical testing. Allele origin: germline.
Comment: This sequence change replaces asparagine, which is neutral and polar, with histidine, which is basic and polar, at codon 156 of the USB1 protein (p.Asn156His). This variant is present in population databases (rs748682814, gnomAD 0.03%). This variant has not been reported in the literature in individuals affected with USB1-related conditions. Algorithms developed to predict the effect of missense changes on protein structure and function are either unavailable or do not agree on the potential impact of this missense change (SIFT: "Not Available"; PolyPhen-2: "Benign"; Align-GVGD: "Not Available"). In summary, the available evidence is currently insufficient to determine the role of this variant in disease. Therefore, it has been classified as a Variant of Uncertain Significance.

NM_024598.4(USB1):c.466A>C (p.Asn156His)

Gene: USB1 (U6 snRNA biogenesis phosphodiesterase 1; plus strand). Cytogenetic location: 16q21.
Variant type: single nucleotide variant.
Coding change: c.466A>C on transcript NM_024598.4 (MANE Select); coding-DNA position 466, A replaced by C.
Protein change: p.Asn156His; replaces asparagine 156 with histidine.
Molecular consequence: missense variant. On other transcripts: intron variant (1).
Genome position (GRCh38, 1-based): chr16:58,014,289, A>C. VCF-style: chr16-58014289-A-C. GRCh37 (hg19) VCF-style: chr16-58048193-A-C.
Other names: c.466A>C (NM_024598.3); c.313A>C, p.Asn105His (NM_001330568.2); c.450-3045A>C (NM_001195302.2); short protein forms N156H, N105H.
Identifiers: ClinVar variation 1368205 (VCV001368205.5), dbSNP rs748682814, ClinGen allele CA8084942.